The following is an entry in ClinVar:

NM_002693.3(POLG):c.2584G>A (p.Ala862Thr)

Gene: POLG (DNA polymerase gamma, catalytic subunit; minus strand). Cytogenetic location: 15q26.1.
Variant type: single nucleotide variant.
Coding change: c.2584G>A on transcript NM_002693.3 (MANE Select); coding-DNA position 2584, G replaced by A.
Protein change: p.Ala862Thr; replaces alanine 862 with threonine.
Molecular consequence: missense variant.
Genome position (GRCh38, 1-based): chr15:89,321,750, C>T on the plus strand (G>A on the coding strand, the complement: POLG is on the minus strand). VCF-style: chr15-89321750-C-T. GRCh37 (hg19) VCF-style: chr15-89864981-C-T.
Other names: c.2584G>A, p.Ala862Thr (NM_001126131.2); short protein forms A862T.
Identifiers: ClinVar variation 431952 (VCV000431952.37), dbSNP rs778429780, ClinGen allele CA7724420.
Genomic context (GRCh38, chr15:89,321,750, plus strand): 5'-ACCTGGGAGAGGAAGAGCAGGGGCCAGAGGTACAGAGGTCACATACCCGGGCATTGCTGG[C>T]GGTGAGCCATGTGGGCTCCACAGCCCGGCGAGTGATGGTGCCGGCAGTCACCACTTGGGG-3'
Protein context (NP_002684.1, residues 852-872): RRAVEPTWLT[Ala862Thr]SNARPDRVGS

ClinVar aggregate classification (germline): Pathogenic/Likely pathogenic. Review status: criteria provided, multiple submitters, no conflicts (2 of 4 stars). 9 submissions from 9 submitters: Pathogenic (6); Likely pathogenic (3). Last evaluated 2025-09-24.

Conditions:
Mitochondrial DNA depletion syndrome 4b. Also called: Mitochondrial Neurogastrointestinal Encephalopathy Disease, POLG-Related; MNGIE, POLG-RELATED. Identifiers: Orphanet 298, MedGen C3150914, MONDO:0013350, OMIM 613662.
Progressive sclerosing poliodystrophy (MTDPS4A). Also called: Mitochondrial DNA Depletion Syndrome 4A; Alpers-Huttenlocher Syndrome (AHS); ALPERS PROGRESSIVE INFANTILE POLIODYSTROPHY; ALPERS DIFFUSE DEGENERATION OF CEREBRAL GRAY MATTER WITH HEPATIC CIRRHOSIS; NEURONAL DEGENERATION OF CHILDHOOD WITH LIVER DISEASE, PROGRESSIVE; Alpers Syndrome. Identifiers: Orphanet 726, MedGen C0205710, MONDO:0008758, OMIM 203700.
MELAS syndrome (MELAS). Also called: Juvenile myopathy, encephalopathy, lactic acidosis, stroke. Identifiers: Orphanet 550, MedGen C0162671, MONDO:0010789, OMIM 540000.
POLG-related disorder. Also called: POLG-related condition; POLG-Related Disorders; POLG-Related Spectrum Disorders. Identifiers: MedGen C4763519.

Allele frequency attached by ClinVar (database versions not stated): gnomAD exomes below 0.00001 and 0.00001; ExAC 0.00001.
gnomAD v4.1: 11 of 1,612,664 alleles (0.00068%); highest among the groups gnomAD compares: Non-Finnish European, 0.00085%; no homozygotes.

Submissions (9):

Genesolutions, Medical Genetics Institutes, Ho Chi Minh City, Vietnam
Classification: Pathogenic for Mitochondrial DNA depletion syndrome 4b. Last evaluated: 2025-09-24. Review status: criteria provided, single submitter. Criteria: ACMG Guidelines, 2015. Collection method: clinical testing. Allele origin: germline. Affected: yes.

Dasa
Classification: Pathogenic. Last evaluated: 2024-12-17. Review status: criteria provided, single submitter. Criteria: DASA Assertion Criteria. Collection method: clinical testing. Allele origin: germline.
Comment: NM_002693.3(POLG):c.2584G>A (p.Ala862Thr) is a missense variant that results in the substitution of alanine with threonine. This variant has been observed in affected individuals with related phenotype in a genotype context consistent with recessive disease (PMID: 18546365; PMID: 19251978; PMID: 22189570; PMID: 21550804). This variant has been recurrently observed in individuals with related phenotype (PMID: 18546365; PMID: 19251978; PMID: 22189570; PMID: 21550804). Multiple computational predictions support a deleterious effect on the gene or gene product. The variant is present at low frequency in population datasets. Based on the available data, this variant is classified as pathogenic.

Blueprint Genetics
Classification: Pathogenic for POLG-related disorders. Last evaluated: 2024-11-07. Review status: criteria provided, single submitter. Criteria: ACMG Guidelines, 2015. Collection method: clinical testing. Allele origin: germline. Affected: yes. Observed: 2 variant alleles.

GeneDx
Classification: Likely pathogenic. Last evaluated: 2024-03-27. Review status: criteria provided, single submitter. Criteria: GeneDx Variant Classification Process June 2021. Collection method: clinical testing. Allele origin: germline. Affected: yes.
Comment: Not observed at significant frequency in large population cohorts (gnomAD); In silico analysis supports that this missense variant has a deleterious effect on protein structure/function; This variant is associated with the following publications: (PMID: 19762913, 19364868, 18546365, 21550804, 22357363, 19251978, 23250882, 22189570, 35598585)

Labcorp Genetics (formerly Invitae), Labcorp
Classification: Pathogenic for Progressive sclerosing poliodystrophy. Last evaluated: 2023-10-03. Review status: criteria provided, single submitter. Criteria: Invitae Variant Classification Sherloc (09022015). Collection method: clinical testing. Allele origin: germline.
Comment: This sequence change replaces alanine, which is neutral and non-polar, with threonine, which is neutral and polar, at codon 862 of the POLG protein (p.Ala862Thr). This variant is present in population databases (rs778429780, gnomAD 0.0009%). This missense change has been observed in individual(s) with autosomal recessive POLG-related conditions (PMID: 18546365, 19762913, 21550804, 22189570, 22357363). In at least one individual the data is consistent with being in trans (on the opposite chromosome) from a pathogenic variant. ClinVar contains an entry for this variant (Variation ID: 431952). Advanced modeling of protein sequence and biophysical properties (such as structural, functional, and spatial information, amino acid conservation, physicochemical variation, residue mobility, and thermodynamic stability) performed at Invitae indicates that this missense variant is expected to disrupt POLG protein function. This variant disrupts the p.Ala862 amino acid residue in POLG. Other variant(s) that disrupt this residue have been determined to be pathogenic (Invitae). This suggests that this residue is clinically significant, and that variants that disrupt this residue are likely to be disease-causing. For these reasons, this variant has been classified as Pathogenic.

Baylor Genetics
Classification: Pathogenic for Progressive sclerosing poliodystrophy. Last evaluated: 2023-10-01. Review status: criteria provided, single submitter. Criteria: ACMG Guidelines, 2015. Collection method: clinical testing. Allele origin: unknown.

Women's Health and Genetics/Laboratory Corporation of America, LabCorp
Classification: Pathogenic for POLG-related disorder. Last evaluated: 2023-08-15. Review status: criteria provided, single submitter. Criteria: LabCorp Variant Classification Summary - May 2015. Collection method: clinical testing. Allele origin: germline.
Comment: Variant summary: POLG c.2584G>A (p.Ala862Thr) results in a non-conservative amino acid change located in the palm domain (IPR047580) of the encoded protein sequence. Five of five in-silico tools predict a damaging effect of the variant on protein function. The variant allele was found at a frequency of 4e-06 in 251356 control chromosomes (gnomAD). The available data on variant occurrences in the general population are insufficient to allow any conclusion about variant significance. c.2584G>A has been reported in the literature in multiple compound heterozygous individuals affected with POLG-Related Spectrum Disorders (e.g., Wong_2008, Stricker_2009, Ferreira_2011, Lax_2012). These data indicate that the variant is very likely to be associated with disease. At least one publication reports experimental evidence evaluating an impact on protein function, finding that the variant was unable to complement a null MIP1 (the yeast ortholog of POLG) mutant or restore mitochondrial respiration in yeast (e.g., Stricker_2009). The following publications have been ascertained in the context of this evaluation (PMID: 21550804, 22189570, 19762913, 18546365). Three submitters have reported clinical-significance assessments for this variant to ClinVar after 2014. All submitters classified the variant as pathogenic/likely pathogenic. Based on the evidence outlined above, the variant was classified as pathogenic.

Wong Mito Lab, Molecular and Human Genetics, Baylor College of Medicine
Classification: Likely pathogenic for Progressive sclerosing poliodystrophy. Last evaluated: 2018-10-01. Review status: criteria provided, single submitter. Criteria: ACMG Guidelines, 2015. Collection method: clinical testing. Allele origin: germline.
Comment: The NM_002693.2:c.2584G>A (NP_002684.1:p.Ala862Thr) [GRCH38: NC_000015.10:g.89321750C>T] variant in POLG gene is interpretated to be a Likely Pathogenic based on ACMG guidelines (PMID: 25741868). This variant meets the following evidence codes reported in the ACMG-guideline. PM2:This variant is absent in key population databases. PM3:Detected in trans with a pathogenic variant for Mitochondrial DNA depletion syndrome 4A (Alpers type) which is a recessive disorder. PP1:This variant is co-segregated with Mitochondrial DNA depletion syndrome 4A (Alpers type) in multiple affected family members. PP2:This is a missense variant in POLG with a low rate of benign and high rate of pathogenic missense variations. PP3:Computational evidence/predictors indicate the variant has deleterious effect on POLG structure, function, or protein-protein interaction. PP4:Patient's phenotype or family history is highly specific for POLG. Based on the evidence criteria codes applied, the variant is suggested to be Likely Pathogenic.

Pediatric Department, Xiangya Hospital, Central South University
Classification: Likely pathogenic for MELAS syndrome. Review status: criteria provided, single submitter. Criteria: ACMG Guidelines, 2015. Collection method: clinical testing. Allele origin: maternal. Inheritance: Autosomal recessive inheritance. Affected: yes. Observed: 2 compound heterozygotes. Clinical features observed: Seizure, Abnormality of the liver, Stroke-like episode.
Comment: This variant was observed in compound heterozygosity with variant (c.2890C>T)

Literature cited by the submitters: PubMed 18546365 (cited by 3 submitters); PubMed 19251978 (cited by Dasa); PubMed 22189570 (cited by 3 submitters); PubMed 21550804 (cited by 3 submitters); PubMed 19762913 (cited by Labcorp Genetics (formerly Invitae), Labcorp and Women's Health and Genetics/Laboratory Corporation of America, LabCorp); PubMed 22357363 (cited by Labcorp Genetics (formerly Invitae), Labcorp).